The following is an entry in ClinVar:

NM_005475.3(SH2B3):c.643G>A (p.Ala215Thr)

Gene: SH2B3 (SH2B adaptor protein 3; plus strand). Cytogenetic location: 12q24.12.
Variant type: single nucleotide variant.
Coding change: c.643G>A on transcript NM_005475.3 (MANE Select); coding-DNA position 643, G replaced by A.
Protein change: p.Ala215Thr; replaces alanine 215 with threonine.
Molecular consequence: missense variant.
Genome position (GRCh38, 1-based): chr12:111,418,788, G>A. VCF-style: chr12-111418788-G-A. GRCh37 (hg19) VCF-style: chr12-111856592-G-A.
Other names: short protein forms A215T.
Identifiers: ClinVar variation 3953447 (VCV003953447.1).
Genomic context (GRCh38, chr12:111,418,788, plus strand): 5'-GCGCTGAAGGAGGCGGTGCTGCGCTACAGCCTGGCCGACGAGGCCTCCATGGACAGCGGG[G>A]CACGCTGGCAGCGCGGGAGGCTGGCGCTGCGCCGGGCCCCGGGCCCCGATGGCCCCGACC-3'
Protein context (NP_005466.1, residues 205-225): LADEASMDSG[Ala215Thr]RWQRGRLALR

ClinVar aggregate classification (germline): Uncertain significance (1 of 4 stars; one submission).

Conditions:
Inborn genetic diseases. Identifiers: MedGen C0950123, MeSH D030342.

gnomAD v4.1: 2 of 1,460,766 alleles (0.00014%); highest among the groups gnomAD compares: South Asian, 0.0013%; no homozygotes.

Submission:

Ambry Genetics
Classification: Uncertain significance for Inborn genetic diseases. Last evaluated: 2025-04-13. Review status: criteria provided, single submitter. Criteria: Ambry Variant Classification Scheme 2023. Collection method: clinical testing. Allele origin: germline.
Comment: The p.A215T variant (also known as c.643G>A), located in coding exon 1 of the SH2B3 gene, results from a G to A substitution at nucleotide position 643. The alanine at codon 215 is replaced by threonine, an amino acid with similar properties. This amino acid position is conserved. In addition, this alteration is predicted to be tolerated by in silico analysis. Based on the available evidence, the clinical significance of this variant remains unclear.